The following is an entry in ClinVar:

ClinVar aggregate classification (germline): Likely benign (1 of 4 stars; one submission).

Submission:

CeGaT Center for Human Genetics Tuebingen
Classification: Likely benign. Last evaluated: 2023-04-01. Review status: criteria provided, single submitter. Criteria: CeGaT Center For Human Genetics Tuebingen Variant Classification Criteria Version 2. Collection method: clinical testing. Allele origin: germline. Affected: yes. Observed: 1 variant allele.
Comment: PCDH12: PM2:Supporting, BP4, BP7

NM_016580.4(PCDH12):c.1236G>A (p.Leu412=)

Genes: PCDH12 (protocadherin 12; minus strand), RNF14 (ring finger protein 14; plus strand). Cytogenetic location: 5q31.3.
Variant type: single nucleotide variant.
Coding change: c.1236G>A on transcript NM_016580.4 (MANE Select); coding-DNA position 1236, G replaced by A.
Protein change: p.Leu412=; no amino-acid change (leucine 412 retained).
Molecular consequence: synonymous variant.
Genome position (GRCh38, 1-based): chr5:141,956,616, C>T on the plus strand (G>A on the coding strand, the complement: PCDH12 is on the minus strand). VCF-style: chr5-141956616-C-T. GRCh37 (hg19) VCF-style: chr5-141336181-C-T.
Identifiers: ClinVar variation 2655873 (VCV002655873.24), dbSNP rs2532555501, ClinGen allele CA447094847.